The following is an entry in ClinVar:

ClinVar aggregate classification (germline): Uncertain significance. Review status: criteria provided, multiple submitters, no conflicts (2 of 4 stars). 2 submissions from 2 submitters: Uncertain significance (2). Last evaluated 2024-01-18.

Conditions:
Renal tubular acidosis with progressive nerve deafness. Also called: Distal Renal Tubular Acidosis with Progressive Sensorineural Deafness; renal tubular acidosis, distal, 2, with progressive sensorineural hearing loss; RENAL TUBULAR ACIDOSIS, AUTOSOMAL RECESSIVE, WITH PROGRESSIVE NERVE DEAFNESS; RTA WITH PROGRESSIVE NERVE DEAFNESS. Identifiers: MedGen C0403554, MONDO:0009968, OMIM 267300.

Allele frequency attached by ClinVar (database versions not stated): ExAC 0.00001; gnomAD exomes 0.00002; gnomAD 0.00003; TOPMed 0.00003; ESP Exome Variant Server 0.00008.
gnomAD v4.1: 35 of 1,614,098 alleles (0.0022%); highest among the groups gnomAD compares: African/African-American, 0.004%; no homozygotes.

Submissions (2):

Fulgent Genetics
Classification: Uncertain significance for Renal tubular acidosis with progressive nerve deafness. Last evaluated: 2024-01-18. Review status: criteria provided, single submitter. Criteria: ACMG Guidelines, 2015. Collection method: clinical testing. Allele origin: germline.

Labcorp Genetics (formerly Invitae), Labcorp
Classification: Uncertain significance. Last evaluated: 2022-07-25. Review status: criteria provided, single submitter. Criteria: Invitae Variant Classification Sherloc (09022015). Collection method: clinical testing. Allele origin: germline.
Comment: This sequence change replaces arginine, which is basic and polar, with histidine, which is basic and polar, at codon 179 of the ATP6V1B1 protein (p.Arg179His). This variant is present in population databases (rs373709589, gnomAD 0.01%). This variant has not been reported in the literature in individuals affected with ATP6V1B1-related conditions. Algorithms developed to predict the effect of missense changes on protein structure and function are either unavailable or do not agree on the potential impact of this missense change (SIFT: "Deleterious"; PolyPhen-2: "Probably Damaging"; Align-GVGD: "Class C0"). In summary, the available evidence is currently insufficient to determine the role of this variant in disease. Therefore, it has been classified as a Variant of Uncertain Significance.

NM_001692.4(ATP6V1B1):c.536G>A (p.Arg179His)

Gene: ATP6V1B1 (ATPase H+ transporting V1 subunit B1; plus strand). Cytogenetic location: 2p13.3.
Variant type: single nucleotide variant.
Coding change: c.536G>A on transcript NM_001692.4 (MANE Select); coding-DNA position 536, G replaced by A.
Protein change: p.Arg179His; replaces arginine 179 with histidine.
Molecular consequence: missense variant.
Genome position (GRCh38, 1-based): chr2:70,960,029, G>A. VCF-style: chr2-70960029-G-A. GRCh37 (hg19) VCF-style: chr2-71187159-G-A.
Other names: short protein forms R179H.
Identifiers: ClinVar variation 1938677 (VCV001938677.3), dbSNP rs373709589, ClinGen allele CA1701079.
Genomic context (GRCh38, chr2:70,960,029, plus strand): 5'-ACCCCGAGGAGATGATTCAGACGGGCATTTCTCCTATTGACGTCATGAACAGCATTGCCC[G>A]CGGCCAGAAGATCCCCATCTTCTCAGCAGCCGGGCTCCCCCACAATGAGGTGAGGCCTGC-3'
Protein context (NP_001683.2, residues 169-189): SPIDVMNSIA[Arg179His]GQKIPIFSAA